The following is an entry in ClinVar:

ClinVar aggregate classification (germline): Uncertain significance (1 of 4 stars; one submission).

Conditions:
Pontocerebellar hypoplasia type 1A (PCH1A). Also called: PONTOCEREBELLAR HYPOPLASIA WITH ANTERIOR HORN CELL DISEASE; PONTOCEREBELLAR HYPOPLASIA WITH INFANTILE SPINAL MUSCULAR ATROPHY. Identifiers: Orphanet 2254, Orphanet 88616, MedGen C1843504, MONDO:0011866, OMIM 607596.

Allele frequency attached by ClinVar (database versions not stated): gnomAD exomes below 0.00001.
gnomAD v4.1: 5 of 1,614,002 alleles (0.00031%); highest among the groups gnomAD compares: Non-Finnish European, 0.00034%; no homozygotes.

Submission:

Labcorp Genetics (formerly Invitae), Labcorp
Classification: Uncertain significance for Pontocerebellar hypoplasia type 1A. Last evaluated: 2021-10-14. Review status: criteria provided, single submitter. Criteria: Invitae Variant Classification Sherloc (09022015). Collection method: clinical testing. Allele origin: germline.
Comment: This sequence change replaces arginine with glutamine at codon 203 of the VRK1 protein (p.Arg203Gln). The arginine residue is highly conserved and there is a small physicochemical difference between arginine and glutamine. This variant is not present in population databases (ExAC no frequency). This variant has not been reported in the literature in individuals affected with VRK1-related conditions. Algorithms developed to predict the effect of missense changes on protein structure and function are either unavailable or do not agree on the potential impact of this missense change (SIFT: "Deleterious"; PolyPhen-2: "Benign"; Align-GVGD: "Class C0"). Algorithms developed to predict the effect of sequence changes on RNA splicing suggest that this variant may create or strengthen a splice site. In summary, the available evidence is currently insufficient to determine the role of this variant in disease. Therefore, it has been classified as a Variant of Uncertain Significance.

NM_003384.3(VRK1):c.608G>A (p.Arg203Gln)

Gene: VRK1 (VRK serine/threonine kinase 1; plus strand). Cytogenetic location: 14q32.2.
Variant type: single nucleotide variant.
Coding change: c.608G>A on transcript NM_003384.3 (MANE Select); coding-DNA position 608, G replaced by A.
Protein change: p.Arg203Gln; replaces arginine 203 with glutamine.
Molecular consequence: missense variant.
Genome position (GRCh38, 1-based): chr14:96,855,255, G>A. VCF-style: chr14-96855255-G-A. GRCh37 (hg19) VCF-style: chr14-97321592-G-A.
Other names: c.608G>A, p.Arg203Gln (NM_001411051.1, NM_001411053.1); short protein forms R203Q.
Identifiers: ClinVar variation 2184068 (VCV002184068.1), dbSNP rs2504191129, ClinGen allele CA390930952.